The following is an entry in ClinVar:

ClinVar aggregate classification (germline): Pathogenic. Review status: criteria provided, multiple submitters, no conflicts (2 of 4 stars). 3 submissions from 3 submitters: Pathogenic (3). Last evaluated 2024-02-15.

Conditions:
NBEAL2-related disorder. Also called: NBEAL2-related condition.
Gray platelet syndrome (GPS). Also called: BLEEDING DISORDER, PLATELET-TYPE, 4. Identifiers: Orphanet 721, MedGen C0272302, MONDO:0007686, OMIM 139090.

Allele frequency attached by ClinVar (database versions not stated): gnomAD exomes 0.00002.
gnomAD v4.1: 16 of 1,613,816 alleles (0.00099%); highest among the groups gnomAD compares: Non-Finnish European, 0.0014%; no homozygotes.

Submissions (3):

Blueprint Genetics
Classification: Pathogenic for NBEAL2-related disorders. Last evaluated: 2024-02-15. Review status: criteria provided, single submitter. Criteria: ACMG Guidelines, 2015. Collection method: clinical testing. Allele origin: germline. Affected: yes. Observed: 1 variant allele.

PreventionGenetics, part of Exact Sciences
Classification: Pathogenic for NBEAL2-related condition. Last evaluated: 2023-09-29. Review status: criteria provided, single submitter. Criteria: ACMG Guidelines, 2015. Collection method: clinical testing. Allele origin: germline.
Comment: The NBEAL2 c.4081G>T variant is predicted to result in premature protein termination (p.Glu1361*). This variant has been reported in the compound heterozygous state in an individual with Grey platelet syndrome (Sims et al. 2020. PubMed ID: 32693407. Supplement file 2). This variant has not been reported in a large population database, indicating this variant is rare. Nonsense variants in NBEAL2 are expected to be pathogenic. This variant is interpreted as pathogenic.

Genetic Services Laboratory, University of Chicago
Classification: Pathogenic for Gray platelet syndrome. Last evaluated: 2016-12-28. Review status: criteria provided, single submitter. Criteria: ACMG Guidelines, 2015. Collection method: clinical testing. Allele origin: germline. Affected: yes.

NM_015175.3(NBEAL2):c.4081G>T (p.Glu1361Ter)

Gene: NBEAL2 (neurobeachin like 2; plus strand). Cytogenetic location: 3p21.31.
Variant type: single nucleotide variant.
Coding change: c.4081G>T on transcript NM_015175.3 (MANE Select); coding-DNA position 4081, G replaced by T.
Protein change: p.Glu1361Ter; replaces glutamic acid 1361 with a stop codon.
Molecular consequence: nonsense.
Genome position (GRCh38, 1-based): chr3:47,000,180, G>T. VCF-style: chr3-47000180-G-T. GRCh37 (hg19) VCF-style: chr3-47041670-G-T.
Other names: c.3979G>T, p.Glu1327Ter (NM_001365116.2); short protein forms E1361*, E1327*.
Identifiers: ClinVar variation 435928 (VCV000435928.8), dbSNP rs1553663498, ClinGen allele CA352516876.